The following is an entry in ClinVar:

NM_000701.8(ATP1A1):c.2325C>T (p.Ser775=)

Genes: ATP1A1 (ATPase Na+/K+ transporting subunit alpha 1; plus strand), ATP1A1-AS1 (ATP1A1 antisense RNA 1; minus strand). Cytogenetic location: 1p13.1.
Variant type: single nucleotide variant.
Coding change: c.2325C>T on transcript NM_000701.8 (MANE Select); coding-DNA position 2325, C replaced by T.
Protein change: p.Ser775=; no amino-acid change (serine 775 retained).
Molecular consequence: synonymous variant.
Genome position (GRCh38, 1-based): chr1:116,398,961, C>T. VCF-style: chr1-116398961-C-T. GRCh37 (hg19) VCF-style: chr1-116941583-C-T.
Other names: c.2325C>T, p.Ser775= (NM_001160233.2); c.2232C>T, p.Ser744= (NM_001160234.2); c.2325C>T (NM_000701.7).
Identifiers: ClinVar variation 1562493 (VCV001562493.11), dbSNP rs141378291, ClinGen allele CA1025524.

ClinVar aggregate classification (germline): Likely benign. Review status: criteria provided, single submitter (1 of 4 stars). 2 submissions from 2 submitters: Likely benign (1). 1 of the submissions does not count toward it. Last evaluated 2025-10-27.

Conditions:
ATP1A1-related disorder. Also called: ATP1A1-related condition.

Allele frequency attached by ClinVar (database versions not stated): ExAC 0.00003; gnomAD exomes 0.00004; gnomAD 0.00013 and 0.00014; ESP Exome Variant Server 0.00015.
gnomAD v4.1: 35 of 1,614,030 alleles (0.0022%); highest among the groups gnomAD compares: African/African-American, 0.032%; no homozygotes.

Submissions (2):

Labcorp Genetics (formerly Invitae), Labcorp
Classification: Likely benign. Last evaluated: 2025-10-27. Review status: criteria provided, single submitter. Criteria: Invitae Variant Classification Sherloc (09022015). Collection method: clinical testing. Allele origin: germline.

PreventionGenetics, part of Exact Sciences
Classification: Likely benign for ATP1A1-related condition. Last evaluated: 2024-01-04. Review status: no assertion criteria provided. Collection method: clinical testing. Allele origin: germline. Not counted in ClinVar's aggregate classification.
Comment: This variant is classified as likely benign based on ACMG/AMP sequence variant interpretation guidelines (Richards et al. 2015 PMID: 25741868, with internal and published modifications).